The following is an entry in ClinVar:

ClinVar aggregate classification (germline): Uncertain significance. Review status: criteria provided, multiple submitters, no conflicts (2 of 4 stars). 2 submissions from 2 submitters: Uncertain significance (2). Last evaluated 2026-01-06.

Conditions:
Familial adenomatous polyposis 1 (FAP1). Also called: POLYPOSIS, ADENOMATOUS INTESTINAL; FAMILIAL ADENOMATOUS POLYPOSIS 1, ATTENUATED. Identifiers: MedGen C2713442, MONDO:0021056, OMIM 175100. Disease mechanism: loss of function.
Hereditary cancer-predisposing syndrome. Also called: Tumor predisposition; Hereditary neoplastic syndrome; Hereditary Cancer Syndrome; Neoplastic Syndromes, Hereditary. Identifiers: Orphanet 140162, MedGen C0027672, MeSH D009386, MONDO:0015356.

Allele frequency attached by ClinVar (database versions not stated): gnomAD exomes below 0.00001.
gnomAD v4.1: 1 of 1,613,816 alleles (0.000062%); highest among the groups gnomAD compares: Non-Finnish European, 0.000085%; no homozygotes.

Submissions (2):

Ambry Genetics
Classification: Uncertain significance for Hereditary cancer-predisposing syndrome. Last evaluated: 2026-01-06. Review status: criteria provided, single submitter. Criteria: Ambry Variant Classification Scheme 2023. Collection method: clinical testing. Allele origin: germline.
Comment: The p.E2639Q variant (also known as c.7915G>C), located in coding exon 15 of the APC gene, results from a G to C substitution at nucleotide position 7915. The glutamic acid at codon 2639 is replaced by glutamine, an amino acid with highly similar properties. This amino acid position is conserved. In addition, in silico predictors for this gene do not accurately predict pathogenicity. Based on the available evidence, the clinical significance of this variant remains unclear.

Labcorp Genetics (formerly Invitae), Labcorp
Classification: Uncertain significance for Familial adenomatous polyposis 1. Last evaluated: 2025-07-29. Review status: criteria provided, single submitter. Criteria: Invitae Variant Classification Sherloc (09022015). Collection method: clinical testing. Allele origin: germline.
Comment: This sequence change replaces glutamic acid, which is acidic and polar, with glutamine, which is neutral and polar, at codon 2639 of the APC protein (p.Glu2639Gln). This variant is not present in population databases (gnomAD no frequency). This variant has not been reported in the literature in individuals affected with APC-related conditions. ClinVar contains an entry for this variant (Variation ID: 236651). Invitae Evidence Modeling of protein sequence and biophysical properties (such as structural, functional, and spatial information, amino acid conservation, physicochemical variation, residue mobility, and thermodynamic stability) indicates that this missense variant is not expected to disrupt APC protein function with a negative predictive value of 95%. In summary, the available evidence is currently insufficient to determine the role of this variant in disease. Therefore, it has been classified as a Variant of Uncertain Significance.

NM_000038.6(APC):c.7915G>C (p.Glu2639Gln)

Gene: APC (APC regulator of Wnt signaling pathway; plus strand). Cytogenetic location: 5q22.2.
Variant type: single nucleotide variant.
Coding change: c.7915G>C on transcript NM_000038.6 (MANE Select); coding-DNA position 7915, G replaced by C.
Protein change: p.Glu2639Gln; replaces glutamic acid 2639 with glutamine.
Molecular consequence: missense variant.
Genome position (GRCh38, 1-based): chr5:112,843,509, G>C. VCF-style: chr5-112843509-G-C. GRCh37 (hg19) VCF-style: chr5-112179206-G-C.
Other names: c.7915G>C, p.Glu2639Gln (NM_001127510.3, NM_001354895.2); c.7861G>C, p.Glu2621Gln (NM_001127511.3); c.7969G>C, p.Glu2657Gln (NM_001354896.2); c.7945G>C, p.Glu2649Gln (NM_001354897.2); c.7840G>C, p.Glu2614Gln (NM_001354898.2); c.7831G>C, p.Glu2611Gln (NM_001354899.2); c.7792G>C, p.Glu2598Gln (NM_001354900.2); c.7738G>C, p.Glu2580Gln (NM_001354901.2); and 5 more; short protein forms E2621Q, E2639Q, E2580Q, E2614Q, E2649Q, E2513Q, E2598Q, E2538Q.
Identifiers: ClinVar variation 236651 (VCV000236651.10), dbSNP rs878853472, ClinGen allele CA10582341.